The following is an entry in ClinVar:

ClinVar aggregate classification (germline): Uncertain significance. Review status: criteria provided, multiple submitters, no conflicts (2 of 4 stars). 2 submissions from 2 submitters: Uncertain significance (2). Last evaluated 2023-08-27.

Conditions:
Cardiovascular phenotype. Identifiers: MedGen CN230736.
Hypertrophic cardiomyopathy. Also called: HYPERTROPHIC MYOCARDIOPATHY. Identifiers: Orphanet 217569, MedGen C0007194, MeSH D002312, MONDO:0005045, HP:0001639.

Allele frequency attached by ClinVar (database versions not stated): gnomAD exomes below 0.00001; TOPMed below 0.00001.
gnomAD v4.1: 2 of 1,614,258 alleles (0.00012%); highest among the groups gnomAD compares: East Asian, 0.0022%; no homozygotes.

Submissions (2):

Labcorp Genetics (formerly Invitae), Labcorp
Classification: Uncertain significance for Hypertrophic cardiomyopathy. Last evaluated: 2023-08-27. Review status: criteria provided, single submitter. Criteria: Invitae Variant Classification Sherloc (09022015). Collection method: clinical testing. Allele origin: germline.
Comment: Advanced modeling of protein sequence and biophysical properties (such as structural, functional, and spatial information, amino acid conservation, physicochemical variation, residue mobility, and thermodynamic stability) performed at Invitae indicates that this missense variant is expected to disrupt MYH7 protein function. ClinVar contains an entry for this variant (Variation ID: 1752372). This variant has not been reported in the literature in individuals affected with MYH7-related conditions. This variant is present in population databases (no rsID available, gnomAD 0.003%). This sequence change replaces aspartic acid, which is acidic and polar, with valine, which is neutral and non-polar, at codon 208 of the MYH7 protein (p.Asp208Val). In summary, the available evidence is currently insufficient to determine the role of this variant in disease. Therefore, it has been classified as a Variant of Uncertain Significance.

Ambry Genetics
Classification: Uncertain significance for Cardiovascular phenotype. Last evaluated: 2020-12-28. Review status: criteria provided, single submitter. Criteria: Ambry Variant Classification Scheme 2023. Collection method: clinical testing. Allele origin: germline.
Comment: The p.D208V variant (also known as c.623A>T), located in coding exon 5 of the MYH7 gene, results from an A to T substitution at nucleotide position 623. The aspartic acid at codon 208 is replaced by valine, an amino acid with highly dissimilar properties, and is located in the head domain. This amino acid position is not well conserved in available vertebrate species. In addition, the in silico prediction for this alteration is inconclusive. Since supporting evidence is limited at this time, the clinical significance of this alteration remains unclear.

NM_000257.4(MYH7):c.623A>T (p.Asp208Val)

Gene: MYH7 (myosin heavy chain 7; minus strand). Cytogenetic location: 14q11.2.
Variant type: single nucleotide variant.
Coding change: c.623A>T on transcript NM_000257.4 (MANE Select); coding-DNA position 623, A replaced by T.
Protein change: p.Asp208Val; replaces aspartic acid 208 with valine.
Molecular consequence: missense variant.
Genome position (GRCh38, 1-based): chr14:23,431,777, T>A on the plus strand (A>T on the coding strand, the complement: MYH7 is on the minus strand). VCF-style: chr14-23431777-T-A. GRCh37 (hg19) VCF-style: chr14-23900986-T-A.
Other names: c.623A>T, p.Asp208Val (NM_001407004.1); short protein forms D208V.
Identifiers: ClinVar variation 1752372 (VCV001752372.7), dbSNP rs1454914644, ClinGen allele CA389052402.